The following is an entry in ClinVar:

NM_144596.4(TTC8):c.1347+5G>A

Gene: TTC8 (tetratricopeptide repeat domain 8; plus strand). Cytogenetic location: 14q31.3.
Variant type: single nucleotide variant.
Coding change: c.1347+5G>A on transcript NM_144596.4 (MANE Select); 5 bases into the intron after coding-DNA position 1347, G replaced by A.
Molecular consequence: intron variant.
Genome position (GRCh38, 1-based): chr14:88,872,457, G>A. VCF-style: chr14-88872457-G-A. GRCh37 (hg19) VCF-style: chr14-89338801-G-A.
Other names: c.753+5G>A (NM_001288782.1); c.1395+5G>A (NM_001288781.1); c.1317+5G>A (NM_198309.3, NM_001366535.2); c.630+5G>A (NM_001288783.1); c.1227+5G>A (NM_198310.3, NM_001366536.2).
Identifiers: ClinVar variation 3350064 (VCV003350064.1).
Genomic context (GRCh38, chr14:88,872,457, plus strand): 5'-CCGAGGCCTACAACAACCTGGCTGTGCTGGAGATGCGGAAGGGCCACGTTGAACAGGTCA[G>A]TGAACTGGCAGCGGCATGCTGGGCAGTCTGCTTTCTTCAGAGAAAAGCTGTCATGTGTGG-3'

ClinVar aggregate classification (germline): Uncertain significance (0 of 4 stars; one submission).

Conditions:
TTC8-related disorder. Also called: TTC8-related condition.

Submission:

PreventionGenetics, part of Exact Sciences
Classification: Uncertain significance for TTC8-related condition. Last evaluated: 2023-12-21. Review status: no assertion criteria provided. Collection method: clinical testing. Allele origin: germline.
Comment: The TTC8 c.1347+5G>A variant is predicted to interfere with splicing. To our knowledge, this variant has not been reported in the literature or in a large population database, indicating this variant is rare. At this time, the clinical significance of this variant is uncertain due to the absence of conclusive functional and genetic evidence.